The following is an entry in ClinVar:

NM_020937.4(FANCM):c.2618G>T (p.Gly873Val)

Gene: FANCM (FA complementation group M; plus strand). Cytogenetic location: 14q21.2.
Variant type: single nucleotide variant.
Coding change: c.2618G>T on transcript NM_020937.4 (MANE Select); coding-DNA position 2618, G replaced by T.
Protein change: p.Gly873Val; replaces glycine 873 with valine.
Molecular consequence: missense variant.
Genome position (GRCh38, 1-based): chr14:45,175,372, G>T. VCF-style: chr14-45175372-G-T. GRCh37 (hg19) VCF-style: chr14-45644575-G-T.
Other names: c.2540G>T, p.Gly847Val (NM_001308133.2); c.2618G>T (NM_020937.2, NM_020937.3); short protein forms G873V, G847V.
Identifiers: ClinVar variation 1041734 (VCV001041734.11), dbSNP rs766902093, ClinGen allele CA7169380.
Genomic context (GRCh38, chr14:45,175,372, plus strand): 5'-TAAAGAAAAAAGTGTCTAAAGAAATAAAAAAAGATCAGCTTAAAAAAGAAAATAATCACG[G>T]TATTATAGATTCTGTAGATAATGACAGAAATTCCACTGTTGAAAATATTTTTCAAGAAGA-3'
Protein context (NP_065988.1, residues 863-883): KDQLKKENNH[Gly873Val]IIDSVDNDRN

ClinVar aggregate classification (germline): Uncertain significance. Review status: criteria provided, multiple submitters, no conflicts (2 of 4 stars). 4 submissions from 4 submitters: Uncertain significance (4). Last evaluated 2025-08-07.

Conditions:
Fanconi anemia (FA). Also called: Fanconi's anemia. Identifiers: Orphanet 84, MedGen C0015625, MeSH D005199, MONDO:0019391.
Spermatogenic failure 28. Identifiers: MedGen C4748117, MONDO:0054732, OMIM 618086.
Premature ovarian failure 15. Identifiers: MedGen C4748170, MONDO:0054862, OMIM 618096.

Allele frequency attached by ClinVar (database versions not stated): ExAC 0.00001; gnomAD 0.00001; TOPMed 0.00003.
gnomAD v4.1: 4 of 1,561,692 alleles (0.00026%); highest among the groups gnomAD compares: Admixed American, 0.0057%; no homozygotes.

Submissions (4):

Labcorp Genetics (formerly Invitae), Labcorp
Classification: Uncertain significance for Fanconi anemia. Last evaluated: 2025-08-07. Review status: criteria provided, single submitter. Criteria: Invitae Variant Classification Sherloc (09022015). Collection method: clinical testing. Allele origin: germline.
Comment: This sequence change replaces glycine, which is neutral and non-polar, with valine, which is neutral and non-polar, at codon 873 of the FANCM protein (p.Gly873Val). This variant is present in population databases (rs766902093, gnomAD 0.004%). This variant has not been reported in the literature in individuals affected with FANCM-related conditions. ClinVar contains an entry for this variant (Variation ID: 1041734). An algorithm developed to predict the effect of missense changes on protein structure and function outputs the following: PolyPhen-2: "Benign". The valine amino acid residue is found in multiple mammalian species, which suggests that this missense change does not adversely affect protein function. In summary, the available evidence is currently insufficient to determine the role of this variant in disease. Therefore, it has been classified as a Variant of Uncertain Significance.

Quest Diagnostics Nichols Institute San Juan Capistrano
Classification: Uncertain significance. Last evaluated: 2023-11-13. Review status: criteria provided, single submitter. Criteria: Quest Diagnostics criteria. Collection method: clinical testing. Allele origin: unknown.
Comment: The FANCM c.2618G>T (p.Gly873Val) variant has not been reported in individuals with FANCM-related conditions in the published literature. The frequency of this variant in the general population, 0.0000088 (2/226126 chromosomes (Genome Aggregation Database)), is uninformative in the assessment of its pathogenicity. Analysis of this variant using bioinformatics tools for the prediction of the effect of amino acid changes on protein structure and function yielded predictions that this variant is benign. Based on the available information, we are unable to determine the clinical significance of this variant.

GeneDx
Classification: Uncertain significance. Last evaluated: 2023-05-30. Review status: criteria provided, single submitter. Criteria: GeneDx Variant Classification Process June 2021. Collection method: clinical testing. Allele origin: germline. Affected: yes.
Comment: Not observed at significant frequency in large population cohorts (gnomAD); In silico analysis supports that this missense variant does not alter protein structure/function; Has not been previously published as pathogenic or benign to our knowledge; This variant is associated with the following publications: (PMID: 26689913)

Fulgent Genetics
Classification: Uncertain significance for Spermatogenic failure 28; Premature ovarian failure 15. Last evaluated: 2021-12-29. Review status: criteria provided, single submitter. Criteria: ACMG Guidelines, 2015. Collection method: clinical testing. Allele origin: unknown.